The following is an entry in ClinVar:

ClinVar aggregate classification (germline): Uncertain significance (1 of 4 stars; one submission).

Allele frequency attached by ClinVar (database versions not stated): ExAC 0.00002; gnomAD exomes 0.00002 and 0.00009; gnomAD 0.00023; TOPMed 0.00026.
gnomAD v4.1: 69 of 1,614,038 alleles (0.0043%); highest among the groups gnomAD compares: Admixed American, 0.083%; no homozygotes.

Submission:

Labcorp Genetics (formerly Invitae), Labcorp
Classification: Uncertain significance. Last evaluated: 2025-06-15. Review status: criteria provided, single submitter. Criteria: Invitae Variant Classification Sherloc (09022015). Collection method: clinical testing. Allele origin: germline.
Comment: This sequence change replaces threonine, which is neutral and polar, with methionine, which is neutral and non-polar, at codon 311 of the RUNX2 protein (p.Thr311Met). This variant is present in population databases (rs749565421, gnomAD 0.06%), and has an allele count higher than expected for a pathogenic variant. This variant has not been reported in the literature in individuals affected with RUNX2-related conditions. ClinVar contains an entry for this variant (Variation ID: 1382482). Invitae Evidence Modeling of protein sequence and biophysical properties (such as structural, functional, and spatial information, amino acid conservation, physicochemical variation, residue mobility, and thermodynamic stability) indicates that this missense variant is not expected to disrupt RUNX2 protein function with a negative predictive value of 80%. In summary, the available evidence is currently insufficient to determine the role of this variant in disease. Therefore, it has been classified as a Variant of Uncertain Significance.

NM_001024630.4(RUNX2):c.932C>T (p.Thr311Met)

Gene: RUNX2 (RUNX family transcription factor 2; plus strand). Cytogenetic location: 6p21.1.
Variant type: single nucleotide variant.
Coding change: c.932C>T on transcript NM_001024630.4 (MANE Select); coding-DNA position 932, C replaced by T.
Protein change: p.Thr311Met; replaces threonine 311 with methionine.
Molecular consequence: missense variant.
Genome position (GRCh38, 1-based): chr6:45,512,318, C>T. VCF-style: chr6-45512318-C-T. GRCh37 (hg19) VCF-style: chr6-45480055-C-T.
Other names: c.932C>T, p.Thr311Met (NM_001015051.4); c.890C>T, p.Thr297Met (NM_001278478.2, NM_001369405.1); short protein forms T311M, T297M.
Identifiers: ClinVar variation 1382482 (VCV001382482.8), dbSNP rs749565421, ClinGen allele CA3836528.
Genomic context (GRCh38, chr6:45,512,318, plus strand): 5'-CACAGTCTTCCCCGCCGTGGTCCTATGACCAGTCTTACCCCTCCTACCTGAGCCAGATGA[C>T]GTCCCCGTCCATCCACTCTACCACCCCGCTGTCTTCCACACGGGGCACTGGGCTTCCTGC-3'
Protein context (NP_001019801.3, residues 301-321): QSYPSYLSQM[Thr311Met]SPSIHSTTPL